The following is an entry in ClinVar:

NM_007214.5(SEC63):c.*1705G>A

Gene: SEC63 (SEC63 homolog, protein translocation regulator; minus strand). Cytogenetic location: 6q21.
Variant type: single nucleotide variant.
Coding change: c.*1705G>A on transcript NM_007214.5 (MANE Select); 1705 bases downstream of the stop codon, G replaced by A.
Molecular consequence: 3 prime UTR variant.
Genome position (GRCh38, 1-based): chr6:107,869,999, C>T on the plus strand (G>A on the coding strand, the complement: SEC63 is on the minus strand). VCF-style: chr6-107869999-C-T. GRCh37 (hg19) VCF-style: chr6-108191203-C-T.
Identifiers: ClinVar variation 354865 (VCV000354865.5), dbSNP rs672444, ClinGen allele CA10625587.

ClinVar aggregate classification (germline): Benign (1 of 4 stars; one submission).

Conditions:
Polycystic liver disease 2 (PCLD2). Also called: Polycystic liver disease 2 with or without kidney cysts. Identifiers: Orphanet 2924, MedGen C4310769, MONDO:0014860, OMIM 617004.

Allele frequency attached by ClinVar (database versions not stated): 1000 Genomes Project 30x 0.97033; gnomAD 0.97694 and 0.97811; TOPMed 0.98116; 1000 Genomes Project 0.96905; gnomAD exomes 0.96667.
gnomAD v4.1: 148,758 of 152,282 alleles (98%); highest among the groups gnomAD compares: African/African-American, 99%; 72,696 homozygotes.

Submission:

Illumina Laboratory Services, Illumina
Classification: Benign for Polycystic liver disease 2. Last evaluated: 2018-01-13. Review status: criteria provided, single submitter. Criteria: ICSL Variant Classification Criteria 13 December 2019. Collection method: clinical testing. Allele origin: germline.
Comment: This variant was observed in the ICSL laboratory as part of a predisposition screen in an ostensibly healthy population. It had not been previously curated by ICSL or reported in the Human Gene Mutation Database (HGMD: prior to June 1st, 2018), and was therefore a candidate for classification through an automated scoring system. Utilizing variant allele frequency, disease prevalence and penetrance estimates, and inheritance mode, an automated score was calculated to assess if this variant is too frequent to cause the disease. Based on the score and internal cut-off values, a variant classified as benign is not then subjected to further curation. The score for this variant resulted in a classification of benign for this disease.